The following is an entry in ClinVar:

NM_005228.5(EGFR):c.2361G>A (p.Gln787=)

Genes: EGFR (epidermal growth factor receptor; plus strand), EGFR-AS1 (EGFR antisense RNA 1; minus strand). Cytogenetic location: 7p11.2.
Variant type: single nucleotide variant.
Coding change: c.2361G>A on transcript NM_005228.5 (MANE Select); coding-DNA position 2361, G replaced by A.
Protein change: p.Gln787=; no amino-acid change (glutamine 787 retained).
Molecular consequence: synonymous variant. On other transcripts: non-coding transcript variant (1).
Genome position (GRCh38, 1-based): chr7:55,181,370, G>A. VCF-style: chr7-55181370-G-A. GRCh37 (hg19) VCF-style: chr7-55249063-G-A.
Other names: p.Gln787=; c.2226G>A, p.Gln742= (NM_001346897.2, NM_001346899.2); c.2361G>A, p.Gln787= (NM_001346898.2); c.2202G>A, p.Gln734= (NM_001346900.2); c.1560G>A, p.Gln520= (NM_001346941.2); c.2361G>A (NM_005228.4).
Identifiers: ClinVar variation 45271 (VCV000045271.26), dbSNP rs1050171, ClinGen allele CA135896.

ClinVar aggregate classification (germline): Benign. Review status: criteria provided, multiple submitters, no conflicts (2 of 4 stars). 13 submissions from 13 submitters: Benign (12). 1 of the submissions does not count toward it. Last evaluated 2026-02-04.

Conditions:
Lung cancer. Also called: Lung cancer, somatic; Malignant tumor of lung. Identifiers: MedGen C0242379, MONDO:0008903, OMIM 211980.
Inflammatory skin and bowel disease, neonatal, 2 (NNCIS). Identifiers: Orphanet 294023, MedGen C4015130, MONDO:0014481, OMIM 616069.
Hereditary cancer-predisposing syndrome. Also called: Tumor predisposition; Neoplastic Syndromes, Hereditary; Hereditary neoplastic syndrome; Hereditary Cancer Syndrome. Identifiers: Orphanet 140162, MedGen C0027672, MeSH D009386, MONDO:0015356.
EGFR-related lung cancer (EGFR). Identifiers: MedGen CN130014.
Lung carcinoma. Identifiers: MedGen C0684249, MONDO:0005138.
Squamous cell lung carcinoma. Also called: Lung cancer, squamous cell, somatic; Squamous cell carcinoma of lung. Identifiers: MedGen C0149782, MONDO:0005097, HP:0030359.

Allele frequency attached by ClinVar (database versions not stated): 1000 Genomes Project 0.43271; 1000 Genomes Project 30x 0.43770; gnomAD 0.51336 and 0.51617; TOPMed 0.51707; ExAC 0.52278; gnomAD exomes 0.52375 and 0.56317; ESP Exome Variant Server 0.54244.

Submissions (13):

Labcorp Genetics (formerly Invitae), Labcorp
Classification: Benign for EGFR-related lung cancer. Last evaluated: 2026-02-04. Review status: criteria provided, single submitter. Criteria: Invitae Variant Classification Sherloc (09022015). Collection method: clinical testing. Allele origin: germline.

Blueprint Genetics
Classification: Benign. Last evaluated: 2024-11-27. Review status: criteria provided, single submitter. Criteria: ACMG Guidelines, 2015. Collection method: clinical testing. Allele origin: germline.

Myriad Genetics, Inc.
Classification: Benign for Lung cancer. Last evaluated: 2024-10-16. Review status: criteria provided, single submitter. Criteria: Myriad Autosomal Dominant, Autosomal Recessive and X-Linked Classification Criteria (2023). Collection method: clinical testing. Allele origin: unknown.
Comment: This variant is considered benign. This variant is a silent/synonymous amino acid change and it is not expected to impact splicing.

Ambry Genetics
Classification: Benign for Hereditary cancer-predisposing syndrome. Last evaluated: 2023-12-15. Review status: criteria provided, single submitter. Criteria: Ambry Variant Classification Scheme 2023. Collection method: clinical testing. Allele origin: germline.

KCCC/NGS Laboratory, Kuwait Cancer Control Center
Classification: Benign for Lung cancer. Last evaluated: 2023-07-07. Review status: criteria provided, single submitter. Criteria: ACMG Guidelines, 2015. Collection method: clinical testing. Allele origin: germline. Affected: yes.

Mayo Clinic Laboratories, Mayo Clinic
Classification: Benign. Last evaluated: 2021-12-29. Review status: criteria provided, single submitter. Criteria: ACMG Guidelines, 2015. Collection method: clinical testing. Allele origin: germline. Observed: 227 variant alleles.
Comment: BA1

Genome-Nilou Lab
Classification: Benign for Inflammatory skin and bowel disease, neonatal, 2. Last evaluated: 2021-07-30. Review status: criteria provided, single submitter. Criteria: ACMG Guidelines, 2015. Collection method: clinical testing. Allele origin: germline. Affected: no.

Mendelics
Classification: Benign for Lung cancer. Last evaluated: 2019-05-28. Review status: criteria provided, single submitter. Criteria: Mendelics Assertion Criteria 2017. Collection method: clinical testing. Allele origin: unknown.

GeneDx
Classification: Benign. Last evaluated: 2019-01-10. Review status: criteria provided, single submitter. Criteria: GeneDx Variant Classification Process June 2021. Collection method: clinical testing. Allele origin: germline. Affected: yes.
Comment: This variant is associated with the following publications: (PMID: 17409930, 17956637)

Laboratory for Molecular Medicine, Mass General Brigham Personalized Medicine
Classification: Benign. Last evaluated: 2017-01-05. Review status: criteria provided, single submitter. Criteria: LMM Criteria. Collection method: clinical testing. Allele origin: germline. Observed: 1,042 variant alleles.

Breakthrough Genomics
Classification: Benign. Review status: criteria provided, single submitter. Criteria: ACMG Guidelines, 2015. Collection method: not provided. Allele origin: germline. Inheritance: Autosomal recessive inheritance. Affected: yes.

PreventionGenetics, part of Exact Sciences
Classification: Benign. Review status: criteria provided, single submitter. Criteria: ACMG Guidelines, 2015. Collection method: clinical testing. Allele origin: germline.

Faculté Pluridciplinaire Nador, Université Mohamed Premier
Classification: Likely benign for Squamous Cell Lung Carcinoma. Last evaluated: 2020-05-05. Review status: no assertion criteria provided. Collection method: clinical testing, in vivo. Allele origin: somatic. Affected: yes. Observed: 1 variant allele. Not counted in ClinVar's aggregate classification.

Literature cited by the submitters: DOI 10.3389/fonc.2020.01215 (cited by Faculté Pluridciplinaire Nador, Université Mohamed Premier).